The following is an entry in ClinVar:

NM_005859.5(PURA):c.1A>G (p.Met1Val)

Gene: PURA (purine rich element binding protein A; plus strand). Cytogenetic location: 5q31.3.
Variant type: single nucleotide variant.
Coding change: c.1A>G on transcript NM_005859.5 (MANE Select); coding-DNA position 1, A replaced by G.
Protein change: p.Met1Val; changes the start codon (methionine 1).
Molecular consequence: missense variant, initiator codon variant.
Genome position (GRCh38, 1-based): chr5:140,114,182, A>G. VCF-style: chr5-140114182-A-G. GRCh37 (hg19) VCF-style: chr5-139493767-A-G.
Other names: short protein forms M1V.
Identifiers: ClinVar variation 489294 (VCV000489294.11), dbSNP rs793888530, ClinGen allele CA361488922.

ClinVar aggregate classification (germline): Pathogenic/Likely pathogenic. Review status: criteria provided, multiple submitters, no conflicts (2 of 4 stars). 4 submissions from 4 submitters: Pathogenic (3); Likely pathogenic (1). Last evaluated 2024-02-23.

Conditions:
PURA-related severe neonatal hypotonia-seizures-encephalopathy syndrome (NEDRIHF). Also called: NEURODEVELOPMENTAL DISORDER WITH NEONATAL RESPIRATORY INSUFFICIENCY, HYPOTONIA, AND FEEDING DIFFICULTIES; PURA-Related Neurodevelopmental Disorders. Identifiers: Orphanet 438213, Orphanet 438216, MedGen C4015357, MONDO:1060108, OMIM 616158, MONDO:0018580.

Submissions (4):

Labcorp Genetics (formerly Invitae), Labcorp
Classification: Pathogenic for PURA-related severe neonatal hypotonia-seizures-encephalopathy syndrome. Last evaluated: 2024-02-23. Review status: criteria provided, single submitter. Criteria: Invitae Variant Classification Sherloc (09022015). Collection method: clinical testing. Allele origin: germline.
Comment: This sequence change affects the initiator methionine of the PURA mRNA. The next in-frame methionine is located at codon 104. This variant is not present in population databases (gnomAD no frequency). Disruption of the initiator codon has been observed in individual(s) with clinical features of PURA syndrome (PMID: 27148565, 32337850). In at least one individual the variant was observed to be de novo. ClinVar contains an entry for this variant (Variation ID: 489294). For these reasons, this variant has been classified as Pathogenic.

MGZ Medical Genetics Center
Classification: Likely pathogenic for PURA-related severe neonatal hypotonia-seizures-encephalopathy syndrome. Last evaluated: 2021-12-06. Review status: criteria provided, single submitter. Criteria: ACMG Guidelines, 2015. Collection method: clinical testing. Allele origin: germline. Affected: yes. Observed: 1 variant allele.
Comment: ACMG criteria applied: PVS1, PM2_SUP, BP4

Revvity Omics, Revvity
Classification: Pathogenic for PURA-related severe neonatal hypotonia-seizures-encephalopathy syndrome. Last evaluated: 2019-08-22. Review status: criteria provided, single submitter. Criteria: ACMG Guidelines, 2015. Collection method: clinical testing. Allele origin: germline.

GeneDx
Classification: Pathogenic. Last evaluated: 2017-12-26. Review status: criteria provided, single submitter. Criteria: GeneDx Variant Classification (06012015). Collection method: clinical testing. Allele origin: germline. Affected: yes.
Comment: The c.1 A>G variant in the PURA gene has not been reported previously as a pathogenic variant nor as a benign variant, to our knowledge. As this pathogenic variant changes the translation initiator Methionine codon, the resultant protein is described as p.Met1?, using a question mark to signify that it is not known if the loss of Met1 means that all protein translation is completely prevented or if an abnormal protein is produced using an alternate Methionine. The c.1 A>G variant is not observed in large population cohorts (Lek et al., 2016). We interpret c.1 A>G as a pathogenic variant.

Literature cited by the submitters: PubMed 27148565 (cited by Labcorp Genetics (formerly Invitae), Labcorp); PubMed 32337850 (cited by Labcorp Genetics (formerly Invitae), Labcorp).